The following is an entry in ClinVar:

NM_145725.3(TRAF3):c.782A>G (p.Asn261Ser)

Gene: TRAF3 (TNF receptor associated factor 3; plus strand). Cytogenetic location: 14q32.32.
Variant type: single nucleotide variant.
Coding change: c.782A>G on transcript NM_145725.3 (MANE Select); coding-DNA position 782, A replaced by G.
Protein change: p.Asn261Ser; replaces asparagine 261 with serine.
Molecular consequence: missense variant. On other transcripts: intron variant (1).
Genome position (GRCh38, 1-based): chr14:102,891,380, A>G. VCF-style: chr14-102891380-A-G. GRCh37 (hg19) VCF-style: chr14-103357717-A-G.
Other names: c.782A>G (NM_003300.3); c.782A>G, p.Asn261Ser (NM_001385142.1, NM_003300.4); c.701A>G, p.Asn234Ser (NM_001385143.1); c.707A>G, p.Asn236Ser (NM_145726.3); c.571-5881A>G (NM_001199427.2); short protein forms N234S, N236S, N261S.
Identifiers: ClinVar variation 1061397 (VCV001061397.10), dbSNP rs775762527, ClinGen allele CA7359392.

ClinVar aggregate classification (germline): Uncertain significance. Review status: criteria provided, multiple submitters, no conflicts (2 of 4 stars). 2 submissions from 2 submitters: Uncertain significance (2). Last evaluated 2025-06-11.

Conditions:
Immunodeficiency 132A. Also called: Herpes simplex encephalitis, susceptibility to, 3. Identifiers: Orphanet 1930, MedGen C3553868, MONDO:0013920, OMIM 614849.

Allele frequency attached by ClinVar (database versions not stated): gnomAD 0.00001; TOPMed 0.00001; gnomAD exomes 0.00001; ExAC 0.00001.
gnomAD v4.1: 16 of 1,613,394 alleles (0.00099%); highest among the groups gnomAD compares: Non-Finnish European, 0.0014%; no homozygotes.

Submissions (2):

Labcorp Genetics (formerly Invitae), Labcorp
Classification: Uncertain significance for Immunodeficiency 132A. Last evaluated: 2025-06-11. Review status: criteria provided, single submitter. Criteria: Invitae Variant Classification Sherloc (09022015). Collection method: clinical testing. Allele origin: germline.
Comment: This sequence change replaces asparagine, which is neutral and polar, with serine, which is neutral and polar, at codon 261 of the TRAF3 protein (p.Asn261Ser). This variant is present in population databases (rs775762527, gnomAD 0.002%). This variant has not been reported in the literature in individuals affected with TRAF3-related conditions. ClinVar contains an entry for this variant (Variation ID: 1061397). An algorithm developed to predict the effect of missense changes on protein structure and function (PolyPhen-2) suggests that this variant is likely to be tolerated. In summary, the available evidence is currently insufficient to determine the role of this variant in disease. Therefore, it has been classified as a Variant of Uncertain Significance.

Ambry Genetics
Classification: Uncertain significance. Last evaluated: 2024-01-09. Review status: criteria provided, single submitter. Criteria: Ambry Variant Classification Scheme 2023. Collection method: clinical testing. Allele origin: germline.